The following is an entry in ClinVar:

ClinVar aggregate classification (germline): Uncertain significance (1 of 4 stars; one submission).

Conditions:
Cardiovascular phenotype. Identifiers: MedGen CN230736.

Submission:

Ambry Genetics
Classification: Uncertain significance for Cardiovascular phenotype. Last evaluated: 2020-12-16. Review status: criteria provided, single submitter. Criteria: Ambry Variant Classification Scheme 2023. Collection method: clinical testing. Allele origin: germline.
Comment: The c.4642_4643delAT variant, located in coding exon 17 of the AKAP9 gene, results from a deletion of two nucleotides at nucleotide positions 4642 to 4643, causing a translational frameshift with a predicted alternate stop codon (p.I1548Ffs*9). This alteration is expected to result in premature protein truncation or nonsense-mediated mRNA decay. However, loss of function of AKAP9 has not been clearly established as a mechanism of disease. Since supporting evidence is limited at this time, the clinical significance of this alteration remains unclear.

NM_005751.5(AKAP9):c.4642_4643del (p.Ile1548fs)

Gene: AKAP9 (A-kinase anchoring protein 9; plus strand). Cytogenetic location: 7q21.2.
Variant type: Deletion.
Coding change: c.4642_4643del on transcript NM_005751.5 (MANE Select); coding-DNA positions 4642 to 4643, 2 bases deleted (AT; older notation c.4642_4643delAT).
Protein change: p.Ile1548fs; shifts the reading frame from isoleucine 1548.
Molecular consequence: frameshift variant.
Genome position (GRCh38, 1-based): chr7:92,038,722-92,038,723, AT deleted; deleting any 2 consecutive bases within chr7:92,038,721-92,038,723 gives the same sequence; the c. name uses the placement nearest the transcript's 3' end. VCF-style (leftmost placement, unchanged base first): chr7-92038720-CTA-C. GRCh37 (hg19) VCF-style: chr7-91668034-CTA-C.
Other names: c.4642_4643del, p.Ile1548fs (NM_147185.3); short protein forms I1548fs.
Identifiers: ClinVar variation 1742117 (VCV001742117.2), dbSNP rs2484808605, ClinGen allele CA2580077440.
Genomic context (GRCh38, chr7:92,038,720, plus strand): 5'-AAATTTTATTATCAAATAGTGATCCCCATGATATACCAGAATCAAAGGACTGTGTGCTGA[CTA>C]TTTCAGAAGAAATGTTCTCCAAAGATAAAACATTTATAGTTAGACAGTCTGTAAGTATGC-3'